The following is an entry in ClinVar:

ClinVar aggregate classification (germline): Uncertain significance (1 of 4 stars; one submission).

Conditions:
FAT1-related disorder. Also called: FAT1-related condition.

Submission:

PreventionGenetics, part of Exact Sciences
Classification: Uncertain significance for FAT1-related condition. Last evaluated: 2023-06-15. Review status: criteria provided, single submitter. Criteria: ACMG Guidelines, 2015. Collection method: clinical testing. Allele origin: germline.
Comment: The FAT1 c.6700G>A variant is predicted to result in the amino acid substitution p.Gly2234Arg. To our knowledge, this variant has not been reported in the literature or in a large population database, indicating this variant is rare. At this time, the clinical significance of this variant is uncertain due to the absence of conclusive functional and genetic evidence.

NM_005245.4(FAT1):c.6700G>A (p.Gly2234Arg)

Gene: FAT1 (FAT atypical cadherin 1; minus strand). Cytogenetic location: 4q35.2.
Variant type: single nucleotide variant.
Coding change: c.6700G>A on transcript NM_005245.4 (MANE Select); coding-DNA position 6700, G replaced by A.
Protein change: p.Gly2234Arg; replaces glycine 2234 with arginine.
Molecular consequence: missense variant.
Genome position (GRCh38, 1-based): chr4:186,619,886, C>T on the plus strand (G>A on the coding strand, the complement: FAT1 is on the minus strand). VCF-style: chr4-186619886-C-T. GRCh37 (hg19) VCF-style: chr4-187541040-C-T.
Other names: short protein forms G2234R.
Identifiers: ClinVar variation 2632737 (VCV002632737.1), dbSNP rs2126510133, ClinGen allele CA358967778.